The following is an entry in ClinVar:

NM_177939.3(P4HTM):c.912G>A (p.Ser304=)

Gene: P4HTM (prolyl 4-hydroxylase, transmembrane; plus strand). Cytogenetic location: 3p21.31.
Variant type: single nucleotide variant.
Coding change: c.912G>A on transcript NM_177939.3 (MANE Select); coding-DNA position 912, G replaced by A.
Protein change: p.Ser304=; no amino-acid change (serine 304 retained).
Molecular consequence: synonymous variant.
Genome position (GRCh38, 1-based): chr3:49,004,885, G>A. VCF-style: chr3-49004885-G-A. GRCh37 (hg19) VCF-style: chr3-49042318-G-A.
Other names: c.912G>A, p.Ser304= (NM_177938.2).
Identifiers: ClinVar variation 3239147 (VCV003239147.20), dbSNP rs149713068.
Genomic context (GRCh38, chr3:49,004,885, plus strand): 5'-CTGGGGCTGCCCAGCCAAATGCCTGCTGCCCACCAGGGTGCTGCGCCTCACTCGCCTGTC[G>A]CCTGAGATCGTGGAGCTCAGCGAGCCGCTGCAGGTTGTTCGATATGGTGAGGGGGGCCAC-3'
Protein context (NP_808808.1, residues 294-314): RQRVLRLTRL[Ser304=]PEIVELSEPL

ClinVar aggregate classification (germline): Likely benign. Review status: criteria provided, multiple submitters, no conflicts (2 of 4 stars). 2 submissions from 2 submitters: Likely benign (2). Last evaluated 2024-10-18.

Allele frequency attached by ClinVar (database versions not stated): ESP Exome Variant Server 0.00008; gnomAD 0.00008; gnomAD exomes 0.00010; ExAC 0.00012; TOPMed 0.00015.
gnomAD v4.1: 162 of 1,610,732 alleles (0.01%); highest among the groups gnomAD compares: Middle Eastern, 0.13%; 1 homozygote.

Submissions (2):

Blueprint Genetics
Classification: Likely benign. Last evaluated: 2024-10-18. Review status: criteria provided, single submitter. Criteria: ACMG Guidelines, 2015. Collection method: clinical testing. Allele origin: germline.

CeGaT Center for Human Genetics Tuebingen
Classification: Likely benign. Last evaluated: 2024-05-01. Review status: criteria provided, single submitter. Criteria: CeGaT Center For Human Genetics Tuebingen Variant Classification Criteria Version 2. Collection method: clinical testing. Allele origin: germline. Affected: yes. Observed: 1 variant allele.
Comment: P4HTM: BP4, BP7